The following is an entry in ClinVar:

ClinVar aggregate classification (germline): Likely benign. Review status: criteria provided, multiple submitters, no conflicts (2 of 4 stars). 2 submissions from 2 submitters: Likely benign (2). Last evaluated 2026-08-02.

Conditions:
TIAM1-related disorder. Also called: TIAM1-related condition.

gnomAD v4.1: 272 of 1,614,188 alleles (0.017%); highest among the groups gnomAD compares: East Asian, 0.51%; no homozygotes.

Submissions (2):

PreventionGenetics, part of Exact Sciences
Classification: Likely benign for TIAM1-related condition. Last evaluated: 2026-08-02. Review status: criteria provided, single submitter. Criteria: ACMG Guidelines, 2015. Collection method: clinical testing. Allele origin: germline.
Comment: This variant is classified as likely benign based on ACMG/AMP sequence variant interpretation guidelines (Richards et al. 2015 PMID: 25741868, with internal and published modifications).

Blueprint Genetics
Classification: Likely benign. Last evaluated: 2024-01-10. Review status: criteria provided, single submitter. Criteria: ACMG Guidelines, 2015. Collection method: clinical testing. Allele origin: germline.

NM_001353694.2(TIAM1):c.3633C>T (p.Ser1211=)

Gene: TIAM1 (TIAM Rac1 associated GEF 1; minus strand). Cytogenetic location: 21q22.11.
Variant type: single nucleotide variant.
Coding change: c.3633C>T on transcript NM_001353694.2 (MANE Select); coding-DNA position 3633, C replaced by T.
Protein change: p.Ser1211=; no amino-acid change (serine 1211 retained).
Molecular consequence: synonymous variant.
Genome position (GRCh38, 1-based): chr21:31,141,347, G>A on the plus strand (C>T on the coding strand, the complement: TIAM1 is on the minus strand). VCF-style: chr21-31141347-G-A. GRCh37 (hg19) VCF-style: chr21-32513665-G-A.
Other names: c.3633C>T (NM_003253.2); c.732C>T, p.Ser244= (NM_001353684.2); c.657C>T, p.Ser219= (NM_001353685.2); c.3558C>T, p.Ser1186= (NM_001353686.2, NM_001353687.2); c.3633C>T, p.Ser1211= (NM_001353688.1, NM_001353689.1, NM_001353690.1 and 4 more transcripts).
Identifiers: ClinVar variation 4946008 (VCV004946008.2).